The following is an entry in ClinVar:

ClinVar aggregate classification (germline): Uncertain significance (1 of 4 stars; one submission).

Conditions:
PLXNA3-related disorder. Also called: PLXNA3-related condition.

gnomAD v4.1: 4 of 1,210,308 alleles (0.00033%); highest among the groups gnomAD compares: Admixed American, 0.0065%; no homozygotes.

Submission:

PreventionGenetics, part of Exact Sciences
Classification: Uncertain significance for PLXNA3-related condition. Last evaluated: 2025-09-29. Review status: criteria provided, single submitter. Criteria: ACMG Guidelines, 2015. Collection method: clinical testing. Allele origin: germline.
Comment: The PLXNA3 c.3176A>G variant is predicted to result in the amino acid substitution p.Lys1059Arg. To our knowledge, this variant has not been reported in the literature. This variant is reported in 0.011% of alleles in individuals of Latino descent in gnomAD. At this time, the clinical significance of this variant is uncertain due to the absence of conclusive functional and genetic evidence.

NM_017514.5(PLXNA3):c.3176A>G (p.Lys1059Arg)

Gene: PLXNA3 (plexin A3; plus strand). Cytogenetic location: Xq28.
Variant type: single nucleotide variant.
Coding change: c.3176A>G on transcript NM_017514.5 (MANE Select); coding-DNA position 3176, A replaced by G.
Protein change: p.Lys1059Arg; replaces lysine 1059 with arginine.
Molecular consequence: missense variant.
Genome position (GRCh38, 1-based): chrX:154,467,125, A>G. VCF-style: chrX-154467125-A-G. GRCh37 (hg19) VCF-style: chrX-153695468-A-G.
Other names: short protein forms K1059R.
Identifiers: ClinVar variation 4978048 (VCV004978048.1).